The following is an entry in ClinVar:

NM_080683.3(PTPN13):c.5003C>A (p.Ala1668Glu)

Gene: PTPN13 (protein tyrosine phosphatase non-receptor type 13; plus strand). Cytogenetic location: 4q21.3.
Variant type: single nucleotide variant.
Coding change: c.5003C>A on transcript NM_080683.3 (MANE Select); coding-DNA position 5003, C replaced by A.
Protein change: p.Ala1668Glu; replaces alanine 1668 with glutamic acid.
Molecular consequence: missense variant.
Genome position (GRCh38, 1-based): chr4:86,771,370, C>A. VCF-style: chr4-86771370-C-A. GRCh37 (hg19) VCF-style: chr4-87692523-C-A.
Other names: c.5018C>A (NM_080685.2); c.4946C>A, p.Ala1649Glu (NM_006264.3); c.4430C>A, p.Ala1477Glu (NM_080684.3); c.5018C>A, p.Ala1673Glu (NM_080685.3); short protein forms A1477E, A1649E, A1668E, A1673E.
Identifiers: ClinVar variation 1050431 (VCV001050431.2), dbSNP rs61730639, ClinGen allele CA2996579.

ClinVar aggregate classification (germline): Uncertain significance. Review status: criteria provided, single submitter (1 of 4 stars). 2 submissions from 2 submitters: Uncertain significance (1). 1 of the submissions does not count toward it. Last evaluated 2025-12-02.

Allele frequency attached by ClinVar (database versions not stated): 1000 Genomes Project 0.00120; 1000 Genomes Project 30x 0.00094.
gnomAD v4.1: 310 of 1,576,770 alleles (0.02%); highest among the groups gnomAD compares: East Asian, 0.48%; 2 homozygotes.

Submissions (2):

Ambry Genetics
Classification: Uncertain significance. Last evaluated: 2025-12-02. Review status: criteria provided, single submitter. Criteria: Ambry Variant Classification Scheme 2023. Collection method: clinical testing. Allele origin: germline.

Department of Pathology and Laboratory Medicine, Sinai Health System
Classification: Uncertain significance. Review status: no assertion criteria provided. Collection method: clinical testing. Allele origin: unknown. Affected: yes. Study: The Canadian Open Genetics Repository (COGR). Not counted in ClinVar's aggregate classification.
Comment: The PTPN13 p.Ala1673Glu variant was not identified in the literature nor was it identified in ClinVar, Cosmic or LOVD 3.0. The variant was identified in dbSNP (ID: rs61730639) and in control databases in 125 of 221670 chromosomes at a frequency of 0.0005639 increasing the likelihood this could be a low frequency benign variant (Genome Aggregation Database March 6, 2019, v2.1.1). The variant was observed in the following populations: East Asian in 112 of 14990 chromosomes (freq: 0.007472), African in 8 of 19840 chromosomes (freq: 0.000403), Other in 1 of 6156 chromosomes (freq: 0.000162), Latino in 3 of 28342 chromosomes (freq: 0.000106) and South Asian in 1 of 24480 chromosomes (freq: 0.000041), but was not observed in the Ashkenazi Jewish, European (Finnish), or European (non-Finnish) populations. The p.Ala1673 residue is not conserved in mammals and four out of five computational analyses (PolyPhen-2, SIFT, AlignGVGD, BLOSUM, MutationTaster) do not suggest a high likelihood of impact to the protein; however, this information is not predictive enough to rule out pathogenicity. The variant occurs outside of the splicing consensus sequence and in silico or computational prediction software programs (SpliceSiteFinder, MaxEntScan, NNSPLICE, GeneSplicer) do not predict a difference in splicing. In summary, based on the above information the clinical significance of this variant cannot be determined with certainty at this time. This variant is classified as a variant of uncertain significance.